The following is an entry in ClinVar:

NM_031483.7(ITCH):c.25G>C (p.Gly9Arg)

Gene: ITCH (itchy E3 ubiquitin protein ligase; plus strand). Cytogenetic location: 20q11.22.
Variant type: single nucleotide variant.
Coding change: c.25G>C on transcript NM_031483.7 (MANE Select); coding-DNA position 25, G replaced by C.
Protein change: p.Gly9Arg; replaces glycine 9 with arginine.
Molecular consequence: missense variant. On other transcripts: 5 prime UTR variant (1).
Genome position (GRCh38, 1-based): chr20:34,393,836, G>C. VCF-style: chr20-34393836-G-C. GRCh37 (hg19) VCF-style: chr20-32981642-G-C.
Other names: c.25G>C, p.Gly9Arg (NM_001257137.3, NM_001324197.2, NM_001324198.2); c.-164G>C (NM_001257138.3); short protein forms G9R.
Identifiers: ClinVar variation 930887 (VCV000930887.3), dbSNP rs2038572425, ClinGen allele CA408660636.

ClinVar aggregate classification (germline): Uncertain significance (1 of 4 stars; one submission).

Conditions:
Syndromic multisystem autoimmune disease due to ITCH deficiency. Also called: AUTOIMMUNE DISEASE, MULTISYSTEM, WITH FACIAL DYSMORPHISM. Identifiers: Orphanet 228426, MedGen C3150649, MONDO:0013245, OMIM 613385.

Allele frequency attached by ClinVar (database versions not stated): TOPMed below 0.00001; gnomAD 0.00001.
gnomAD v4.1: 3 of 1,613,868 alleles (0.00019%); highest among the groups gnomAD compares: Non-Finnish European, 0.00017%; no homozygotes.

Submission:

Centre for Mendelian Genomics, University Medical Centre Ljubljana
Classification: Uncertain significance for Syndromic multisystem autoimmune disease due to ITCH deficiency. Last evaluated: 2018-10-12. Review status: criteria provided, single submitter. Criteria: ACMG Guidelines, 2015. Collection method: clinical testing. Allele origin: unknown. Affected: yes.
Comment: This variant was classified as: Uncertain significance. The available evidence on this variant's pathogenicity is insufficient or conflicting. The following ACMG criteria were applied in classifying this variant: PM2.